The following is an entry in ClinVar:

ClinVar aggregate classification (germline): Uncertain significance (1 of 4 stars; one submission).

Conditions:
Hereditary spastic paraplegia 49 (HSAN9). Also called: Spastic paraplegia 49, autosomal recessive; NEUROPATHY, HEREDITARY SENSORY AND AUTONOMIC, TYPE IX, WITH DEVELOPMENTAL DELAY; TECPR2-Related Hereditary Sensory and Autonomic Neuropathy with Intellectual Disability. Identifiers: Orphanet 320385, MedGen C5190860, MONDO:0014016, OMIM 615031.

Submission:

Myriad Genetics, Inc.
Classification: Uncertain significance for Hereditary spastic paraplegia 49. Last evaluated: 2026-03-27. Review status: criteria provided, single submitter. Criteria: Myriad Autosomal Dominant, Autosomal Recessive and X-Linked Classification Criteria (2023). Collection method: clinical testing. Allele origin: unknown.
Comment: NM_014844.3(TECPR2):c.480+1delG is a variant in a canonical splice site classified as a variant of uncertain significance in the context of spastic paraplegia, TECPR2-related. c.480+1delG has not been observed in cases with relevant disease. Relevant functional assessments of this variant are not available in the literature. c.480+1delG has not been observed in referenced population frequency databases. In summary, there is insufficient evidence to classify NM_014844.3(TECPR2):c.480+1delG as pathogenic or benign. Please note: this variant was assessed in the context of healthy population screening.

NM_014844.5(TECPR2):c.480+1del

Gene: TECPR2 (tectonin beta-propeller repeat containing 2; plus strand). Cytogenetic location: 14q32.31.
Variant type: Deletion.
Coding change: c.480+1del on transcript NM_014844.5 (MANE Select); the canonical splice donor site of the intron after coding-DNA position 480, one base deleted (G; older notation c.480+1delG).
Molecular consequence: splice donor variant.
Genome position (GRCh38, 1-based): chr14:102,408,620, G deleted; the last of 2 consecutive G bases (chr14:102,408,619-102,408,620); deleting either gives the same sequence. VCF-style (leftmost placement, unchanged base first): chr14-102408618-AG-A. GRCh37 (hg19) VCF-style: chr14-102874955-AG-A.
Other names: c.480+1del (NM_001172631.3).
Identifiers: ClinVar variation 5004561 (VCV005004561.1).